The following is an entry in ClinVar:

NM_002458.3(MUC5B):c.4053C>T (p.Pro1351=)

Gene: MUC5B (mucin 5B, oligomeric mucus/gel-forming; plus strand). Cytogenetic location: 11p15.5.
Variant type: single nucleotide variant.
Coding change: c.4053C>T on transcript NM_002458.3 (MANE Select); coding-DNA position 4053, C replaced by T.
Protein change: p.Pro1351=; no amino-acid change (proline 1351 retained).
Molecular consequence: synonymous variant.
Genome position (GRCh38, 1-based): chr11:1,240,933, C>T. VCF-style: chr11-1240933-C-T. GRCh37 (hg19) VCF-style: chr11-1262163-C-T.
Identifiers: ClinVar variation 2641196 (VCV002641196.24), dbSNP rs369050885, ClinGen allele CA5805331.
Genomic context (GRCh38, chr11:1,240,933, plus strand): 5'-CGTGTGTGTCCGCGAGGTCTGCCGCTGGTCCAGCTGGTACAATGGGCACCGCCCAGAGCC[C>T]GGCCTGGGAGGCGGAGACTTTGAGACGTTTGAAAACCTGAGGCAGAGAGGGTACCAGGTA-3'
Protein context (NP_002449.2, residues 1341-1361): SSWYNGHRPE[Pro1351=]GLGGGDFETF

ClinVar aggregate classification (germline): Likely benign (1 of 4 stars; one submission).

Allele frequency attached by ClinVar (database versions not stated): ESP Exome Variant Server 0.00008; 1000 Genomes Project 0.00020; ExAC 0.00025; TOPMed 0.00027; 1000 Genomes Project 30x 0.00031; gnomAD 0.00034; gnomAD exomes 0.00039.
gnomAD v4.1: 605 of 1,613,184 alleles (0.038%); highest among the groups gnomAD compares: Middle Eastern, 0.084%; 1 homozygote.

Submission:

CeGaT Center for Human Genetics Tuebingen
Classification: Likely benign. Last evaluated: 2022-10-01. Review status: criteria provided, single submitter. Criteria: CeGaT Center For Human Genetics Tuebingen Variant Classification Criteria Version 2. Collection method: clinical testing. Allele origin: germline. Affected: yes. Observed: 1 variant allele.
Comment: MUC5B: BP4, BP7